The following is an entry in ClinVar:

ClinVar aggregate classification (germline): Likely benign. Review status: criteria provided, multiple submitters, no conflicts (2 of 4 stars). 4 submissions from 4 submitters: Likely benign (4). Last evaluated 2025-12-04.

Conditions:
Cardiomyopathy (CMYO). Also called: Cardiomyopathies. Identifiers: Orphanet 167848, MedGen C0878544, MONDO:0004994, HP:0001638. Inheritance: Various modes of inheritance.
Hypertrophic cardiomyopathy. Also called: HYPERTROPHIC MYOCARDIOPATHY. Identifiers: Orphanet 217569, MedGen C0007194, MeSH D002312, MONDO:0005045, HP:0001639.

gnomAD v4.1: 7 of 1,614,222 alleles (0.00043%); highest among the groups gnomAD compares: South Asian, 0.0044%; no homozygotes.

Submissions (4):

Labcorp Genetics (formerly Invitae), Labcorp
Classification: Likely benign for Hypertrophic cardiomyopathy. Last evaluated: 2025-12-04. Review status: criteria provided, single submitter. Criteria: Invitae Variant Classification Sherloc (09022015). Collection method: clinical testing. Allele origin: germline.

Blueprint Genetics
Classification: Likely benign. Last evaluated: 2024-06-10. Review status: criteria provided, single submitter. Criteria: ACMG Guidelines, 2015. Collection method: clinical testing. Allele origin: germline.

All of Us Research Program, National Institutes of Health
Classification: Likely benign for Cardiomyopathy. Last evaluated: 2023-07-19. Review status: criteria provided, single submitter. Criteria: ACMG Guidelines, 2015. Collection method: clinical testing. Allele origin: germline. Inheritance: Autosomal dominant inheritance. Observed: 1 variant allele, 1 heterozygote.
Comment: This study involves interpretation of variants in research participants for the purpose of population health screening. Participant phenotype was not available at the time of variant classification. Additional details can be found in publication PMID: 35346344, PMCID: PMC8962531

Color Diagnostics, LLC DBA Color Health
Classification: Likely benign for Cardiomyopathy. Last evaluated: 2019-11-11. Review status: criteria provided, single submitter. Criteria: ACMG Guidelines, 2015. Collection method: clinical testing. Allele origin: germline.

NM_000257.4(MYH7):c.540C>T (p.Ser180=)

Gene: MYH7 (myosin heavy chain 7; minus strand). Cytogenetic location: 14q11.2.
Variant type: single nucleotide variant.
Coding change: c.540C>T on transcript NM_000257.4 (MANE Select); coding-DNA position 540, C replaced by T.
Protein change: p.Ser180=; no amino-acid change (serine 180 retained).
Molecular consequence: synonymous variant.
Genome position (GRCh38, 1-based): chr14:23,431,860, G>A on the plus strand (C>T on the coding strand, the complement: MYH7 is on the minus strand). VCF-style: chr14-23431860-G-A. GRCh37 (hg19) VCF-style: chr14-23901069-G-A.
Identifiers: ClinVar variation 921702 (VCV000921702.7), dbSNP rs369490861, ClinGen allele CA046693.
Genomic context (GRCh38, chr14:23,431,860, plus strand): 5'-GGCTGCAATAACAGCAAAGTACTGGATGACCCTCTTGGTGTTGACTGTCTTCCCTGCTCC[G>A]GATTCTCCGCTGTGAAGACAGGGGCTTATTGGGCAGTGAACAATACTACTGGAGACCAGC-3'
Protein context (NP_000248.2, residues 170-190): ENQSILITGE[Ser180=]GAGKTVNTKR